The following is an entry in ClinVar:

NM_001903.5(CTNNA1):c.2684A>G (p.Gln895Arg)

Gene: CTNNA1 (catenin alpha 1; plus strand). Cytogenetic location: 5q31.2.
Variant type: single nucleotide variant.
Coding change: c.2684A>G on transcript NM_001903.5 (MANE Select); coding-DNA position 2684, A replaced by G.
Protein change: p.Gln895Arg; replaces glutamine 895 with arginine.
Molecular consequence: missense variant. On other transcripts: 3 prime UTR variant (5).
Genome position (GRCh38, 1-based): chr5:138,934,052, A>G. VCF-style: chr5-138934052-A-G. GRCh37 (hg19) VCF-style: chr5-138269741-A-G.
Other names: c.*229A>G (NM_001290307.3, NM_001324002.1, NM_001324003.1 and 2 more transcripts); c.2375A>G, p.Gln792Arg (NM_001290309.3); c.2315A>G, p.Gln772Arg (NM_001290310.3); c.1574A>G, p.Gln525Arg (NM_001290312.1, NM_001323987.1, NM_001323988.1 and 12 more transcripts); c.2684A>G, p.Gln895Arg (NM_001323982.2, NM_001323983.1, NM_001323984.2); c.2657A>G, p.Gln886Arg (NM_001323985.2); c.2591A>G, p.Gln864Arg (NM_001323986.2); c.1439A>G, p.Gln480Arg (NM_001324001.1); and 4 more; short protein forms Q792R, Q480R, Q525R, Q412R, Q494R, Q772R, Q864R, Q886R.
Identifiers: ClinVar variation 651329 (VCV000651329.11), dbSNP rs1580947045, ClinGen allele CA361135766.

ClinVar aggregate classification (germline): Uncertain significance. Review status: criteria provided, multiple submitters, no conflicts (2 of 4 stars). 2 submissions from 2 submitters: Uncertain significance (2). Last evaluated 2025-03-19.

Conditions:
Hereditary cancer-predisposing syndrome. Also called: Neoplastic Syndromes, Hereditary; Tumor predisposition; Hereditary Cancer Syndrome; Hereditary neoplastic syndrome. Identifiers: Orphanet 140162, MedGen C0027672, MeSH D009386, MONDO:0015356.

Allele frequency attached by ClinVar (database versions not stated): gnomAD exomes below 0.00001.
gnomAD v4.1: 1 of 1,613,604 alleles (0.000062%); no homozygotes.

Submissions (2):

Ambry Genetics
Classification: Uncertain significance for Hereditary cancer-predisposing syndrome. Last evaluated: 2025-03-19. Review status: criteria provided, single submitter. Criteria: Ambry Variant Classification Scheme 2023. Collection method: clinical testing. Allele origin: germline.
Comment: The p.Q895R variant (also known as c.2684A>G), located in coding exon 17 of the CTNNA1 gene, results from an A to G substitution at nucleotide position 2684. The glutamine at codon 895 is replaced by arginine, an amino acid with highly similar properties. This amino acid position is highly conserved in available vertebrate species. In addition, the in silico prediction for this alteration is inconclusive. Based on the available evidence, the clinical significance of this variant remains unclear.

Labcorp Genetics (formerly Invitae), Labcorp
Classification: Uncertain significance. Last evaluated: 2023-07-24. Review status: criteria provided, single submitter. Criteria: Invitae Variant Classification Sherloc (09022015). Collection method: clinical testing. Allele origin: germline.
Comment: In summary, the available evidence is currently insufficient to determine the role of this variant in disease. Therefore, it has been classified as a Variant of Uncertain Significance. Advanced modeling of protein sequence and biophysical properties (such as structural, functional, and spatial information, amino acid conservation, physicochemical variation, residue mobility, and thermodynamic stability) performed at Invitae indicates that this missense variant is not expected to disrupt CTNNA1 protein function. ClinVar contains an entry for this variant (Variation ID: 651329). This variant has not been reported in the literature in individuals affected with CTNNA1-related conditions. This variant is not present in population databases (gnomAD no frequency). This sequence change replaces glutamine, which is neutral and polar, with arginine, which is basic and polar, at codon 895 of the CTNNA1 protein (p.Gln895Arg).